The following is an entry in ClinVar:

NM_000138.5(FBN1):c.7812G>C (p.Gln2604His)

Gene: FBN1 (fibrillin 1; minus strand). Cytogenetic location: 15q21.1.
Variant type: single nucleotide variant.
Coding change: c.7812G>C on transcript NM_000138.5 (MANE Select); coding-DNA position 7812, G replaced by C.
Protein change: p.Gln2604His; replaces glutamine 2604 with histidine.
Molecular consequence: missense variant.
Genome position (GRCh38, 1-based): chr15:48,420,694, C>G on the plus strand (G>C on the coding strand, the complement: FBN1 is on the minus strand). VCF-style: chr15-48420694-C-G. GRCh37 (hg19) VCF-style: chr15-48712891-C-G.
Other names: c.7812G>C (NM_000138.4); short protein forms Q2604H.
Identifiers: ClinVar variation 1501018 (VCV001501018.7), dbSNP rs2141220609, ClinGen allele CA392324424.
Genomic context (GRCh38, chr15:48,420,694, plus strand): 5'-GCTTCATAGGACCTGATAGCCATGCATCTTGAGAGTGAGGAAAAGTTACTTGCCAACACA[C>G]TGGTTCCACTGGTAGTGCTGGAGGTAGCCCTGGGGGCAGCTGCACCTGTAGCCCCCAATG-3'
Protein context (NP_000129.3, residues 2594-2614): QGYLQHYQWN[Gln2604His]CVDENECLSA

ClinVar aggregate classification (germline): Uncertain significance. Review status: criteria provided, multiple submitters, no conflicts (2 of 4 stars). 2 submissions from 2 submitters: Uncertain significance (2). Last evaluated 2025-03-10.

Conditions:
Familial thoracic aortic aneurysm and aortic dissection (TAAD). Also called: Thoracic aortic aneurysms and dissections. Identifiers: Orphanet 91387, MedGen C4707243, MONDO:0019625.
Marfan syndrome (MFS). Also called: MARFAN SYNDROME, TYPE I; Marfan syndrome type 1; Marfan's syndrome; Marfan syndrome, classic; FBN1-Related Marfan Syndrome. Identifiers: Orphanet 284963, Orphanet 558, MedGen C0024796, MONDO:0007947, OMIM 154700.

Submissions (2):

Ambry Genetics
Classification: Uncertain significance for Familial thoracic aortic aneurysm and aortic dissection. Last evaluated: 2025-03-10. Review status: criteria provided, single submitter. Criteria: Ambry Variant Classification Scheme 2023. Collection method: clinical testing. Allele origin: germline.
Comment: The p.Q2604H variant (also known as c.7812G>C), located in coding exon 62 of the FBN1 gene, results from a G to C substitution at nucleotide position 7812. The glutamine at codon 2604 is replaced by histidine, an amino acid with highly similar properties. This amino acid position is highly conserved in available vertebrate species. In addition, this alteration is predicted to be deleterious by in silico analysis. Based on the available evidence, the clinical significance of this variant remains unclear.

Labcorp Genetics (formerly Invitae), Labcorp
Classification: Uncertain significance for Marfan syndrome; Familial thoracic aortic aneurysm and aortic dissection. Last evaluated: 2023-05-22. Review status: criteria provided, single submitter. Criteria: Invitae Variant Classification Sherloc (09022015). Collection method: clinical testing. Allele origin: germline.
Comment: This sequence change replaces glutamine, which is neutral and polar, with histidine, which is basic and polar, at codon 2604 of the FBN1 protein (p.Gln2604His). This variant is not present in population databases (gnomAD no frequency). This variant has not been reported in the literature in individuals affected with FBN1-related conditions. ClinVar contains an entry for this variant (Variation ID: 1501018). Advanced modeling of protein sequence and biophysical properties (such as structural, functional, and spatial information, amino acid conservation, physicochemical variation, residue mobility, and thermodynamic stability) performed at Invitae indicates that this missense variant is expected to disrupt FBN1 protein function. In summary, the available evidence is currently insufficient to determine the role of this variant in disease. Therefore, it has been classified as a Variant of Uncertain Significance.